The following is an entry in ClinVar:

NM_006005.3(WFS1):c.2020G>T (p.Gly674Trp)

Gene: WFS1 (wolframin ER transmembrane glycoprotein; plus strand). Cytogenetic location: 4p16.1.
Variant type: single nucleotide variant.
Coding change: c.2020G>T on transcript NM_006005.3 (MANE Select); coding-DNA position 2020, G replaced by T.
Protein change: p.Gly674Trp; replaces glycine 674 with tryptophan.
Molecular consequence: missense variant.
Genome position (GRCh38, 1-based): chr4:6,301,815, G>T. VCF-style: chr4-6301815-G-T. GRCh37 (hg19) VCF-style: chr4-6303542-G-T.
Other names: c.2020G>T, p.Gly674Trp (NM_001145853.1); short protein forms G674W.
Identifiers: ClinVar variation 3618121 (VCV003618121.4).

ClinVar aggregate classification (germline): Conflicting classifications of pathogenicity. Review status: criteria provided, conflicting classifications (1 of 4 stars). 3 submissions from 3 submitters: Pathogenic (2); Uncertain significance (1). Last evaluated 2025-07-23.

Conditions:
Autosomal dominant nonsyndromic hearing loss 6 (LFSNHL). Also called: DEAFNESS, AUTOSOMAL DOMINANT 6; Autosomal dominant nonsyndromic deafness 6; DEAFNESS, AUTOSOMAL DOMINANT 14; DEAFNESS, AUTOSOMAL DOMINANT 38. Identifiers: Orphanet 90635, MedGen C1833021, MONDO:0010963, OMIM 600965.

gnomAD v4.1: 1 of 1,613,160 alleles (0.000062%); highest among the groups gnomAD compares: Non-Finnish European, 0.000085%; no homozygotes.

Submissions (3):

Labcorp Genetics (formerly Invitae), Labcorp
Classification: Pathogenic. Last evaluated: 2025-07-23. Review status: criteria provided, single submitter. Criteria: Invitae Variant Classification Sherloc (09022015). Collection method: clinical testing. Allele origin: germline.
Comment: This sequence change replaces glycine, which is neutral and non-polar, with tryptophan, which is neutral and slightly polar, at codon 674 of the WFS1 protein (p.Gly674Trp). This variant is not present in population databases (gnomAD no frequency). This missense change has been observed in individual(s) with deafness (PMID: 34258273). It has also been observed to segregate with disease in related individuals. ClinVar contains an entry for this variant (Variation ID: 3618121). Invitae Evidence Modeling of protein sequence and biophysical properties (such as structural, functional, and spatial information, amino acid conservation, physicochemical variation, residue mobility, and thermodynamic stability) indicates that this missense variant is expected to disrupt WFS1 protein function with a positive predictive value of 95%. This variant disrupts the p.Gly674 amino acid residue in WFS1. Other variant(s) that disrupt this residue have been determined to be pathogenic (PMID: 12073007, 12707188). This suggests that this residue is clinically significant, and that variants that disrupt this residue are likely to be disease-causing. For these reasons, this variant has been classified as Pathogenic.

Blueprint Genetics
Classification: Uncertain significance. Last evaluated: 2017-10-23. Review status: criteria provided, single submitter. Criteria: ACMG Guidelines, 2015. Collection method: clinical testing. Allele origin: germline.

Precision Medicine Center, Zhengzhou University
Classification: Pathogenic for Autosomal dominant nonsyndromic hearing loss 6. Last evaluated: 2006-06-30. Review status: criteria provided, single submitter. Criteria: ClinGen HL ACMG Specifications v1. Collection method: clinical testing. Allele origin: maternal. Affected: yes.
Comment: PP1_strong+PM2+PM5+PS4_supporting+ PP3+ PP4:The WFS1 c.2020G>T variant is absent or extremely rare in population databases, supporting its rarity in the general population (PM2). Multiple computational prediction algorithms consistently predict that this missense variant has a deleterious effect on protein function (PP3). The variant was identified in individuals with a phenotype highly specific for WFS1-related hearing loss, supporting phenotype specificity (PP4). Segregation in six affected relatives for the dominant (PP1_Strong) allele.Two probands with the variant (PMID: 29529044, 12073007) (PS4_Supporting). Therefore, this variant is classified as Pathogenic (P) according to the ACMG/AMP guidelines.

Literature cited by the submitters: PubMed 34258273 (cited by Labcorp Genetics (formerly Invitae), Labcorp); PubMed 12073007 (cited by Labcorp Genetics (formerly Invitae), Labcorp and Precision Medicine Center, Zhengzhou University); PubMed 12707188 (cited by Labcorp Genetics (formerly Invitae), Labcorp); PubMed 29529044 (cited by Precision Medicine Center, Zhengzhou University).